The following is an entry in ClinVar:

ClinVar aggregate classification (germline): Pathogenic (1 of 4 stars; one submission).

Conditions:
Cerebrooculofacioskeletal syndrome 1 (COFS1). Also called: Cerebro-oculo-facio-skeletal syndrome 1. Identifiers: MedGen C0220722, MONDO:0008955, OMIM 214150.

Submission:

Women's Health and Genetics/Laboratory Corporation of America, LabCorp
Classification: Pathogenic for Cerebrooculofacioskeletal syndrome 1. Last evaluated: 2023-07-10. Review status: criteria provided, single submitter. Criteria: LabCorp Variant Classification Summary - May 2015. Collection method: clinical testing. Allele origin: germline.
Comment: Variant summary: ERCC6 c.2218_2221delCCAT (p.Pro740ThrfsX6) results in a premature termination codon, predicted to cause a truncation of the encoded protein or absence of the protein due to nonsense mediated decay, which are commonly known mechanisms for disease. The variant was absent in 251346 control chromosomes. To our knowledge, no occurrence of c.2218_2221delCCAT in individuals affected with Cerebrooculofacioskeletal Syndrome 1 and no experimental evidence demonstrating its impact on protein function have been reported. No submitters have cited clinical-significance assessments for this variant to ClinVar after 2014. Based on the evidence outlined above, the variant was classified as pathogenic.

NM_000124.4(ERCC6):c.2218_2221del (p.Pro740fs)

Gene: ERCC6 (ERCC excision repair 6, chromatin remodeling factor; minus strand). Cytogenetic location: 10q11.23.
Variant type: Deletion.
Coding change: c.2218_2221del on transcript NM_000124.4 (MANE Select); coding-DNA positions 2218 to 2221, 4 bases deleted (CCAT; older notation c.2218_2221delCCAT).
Protein change: p.Pro740fs; shifts the reading frame from proline 740.
Molecular consequence: frameshift variant.
Genome position (GRCh38, 1-based): chr10:49,478,419-49,478,422, ATGG deleted on the plus strand (CCAT on the coding strand, the reverse complement: ERCC6 is on the minus strand); deleting any 4 consecutive bases within chr10:49,478,419-49,478,424 gives the same sequence; the c. name uses the placement nearest the transcript's 3' end. VCF-style (leftmost placement, unchanged base first): chr10-49478418-TATGG-T. GRCh37 (hg19) VCF-style: chr10-50686464-TATGG-T.
Other names: c.2218_2221del, p.Pro740fs (NM_001346440.2); short protein forms P740fs.
Identifiers: ClinVar variation 2577221 (VCV002577221.1), dbSNP rs2495996016, ClinGen allele CA2580615461.